The following is an entry in ClinVar:

ClinVar aggregate classification (germline): Uncertain significance (1 of 4 stars; one submission).

Allele frequency attached by ClinVar (database versions not stated): gnomAD exomes below 0.00001; ExAC 0.00001; gnomAD 0.00002; TOPMed 0.00002; 1000 Genomes Project 30x 0.00016; 1000 Genomes Project 0.00020.
gnomAD v4.1: 5 of 1,614,106 alleles (0.00031%); highest among the groups gnomAD compares: African/African-American, 0.0067%; no homozygotes.

Submission:

Labcorp Genetics (formerly Invitae), Labcorp
Classification: Uncertain significance. Last evaluated: 2025-05-05. Review status: criteria provided, single submitter. Criteria: Invitae Variant Classification Sherloc (09022015). Collection method: clinical testing. Allele origin: germline.
Comment: This sequence change replaces glutamine, which is neutral and polar, with lysine, which is basic and polar, at codon 1057 of the TRAPPC9 protein (p.Gln1057Lys). This variant is present in population databases (rs551282342, gnomAD 0.007%). This variant has not been reported in the literature in individuals affected with TRAPPC9-related conditions. ClinVar contains an entry for this variant (Variation ID: 1931038). An algorithm developed to predict the effect of missense changes on protein structure and function (PolyPhen-2) suggests that this variant is likely to be disruptive. In summary, the available evidence is currently insufficient to determine the role of this variant in disease. Therefore, it has been classified as a Variant of Uncertain Significance.

NM_001160372.4(TRAPPC9):c.2875C>A (p.Gln959Lys)

Gene: TRAPPC9 (trafficking protein particle complex subunit 9; minus strand). Cytogenetic location: 8q24.3.
Variant type: single nucleotide variant.
Coding change: c.2875C>A on transcript NM_001160372.4 (MANE Select); coding-DNA position 2875, C replaced by A.
Protein change: p.Gln959Lys; replaces glutamine 959 with lysine.
Molecular consequence: missense variant. On other transcripts: non-coding transcript variant (1).
Genome position (GRCh38, 1-based): chr8:139,910,236, G>T on the plus strand (C>A on the coding strand, the complement: TRAPPC9 is on the minus strand). VCF-style: chr8-139910236-G-T. GRCh37 (hg19) VCF-style: chr8-140922480-G-T.
Other names: c.2848C>A, p.Gln950Lys (NM_001321646.2); c.2896C>A, p.Gln966Lys (NM_001374682.1); c.2764C>A, p.Gln922Lys (NM_001374683.1); c.2731C>A, p.Gln911Lys (NM_001374684.1); c.2875C>A, p.Gln959Lys (NM_031466.8); short protein forms Q911K, Q922K, Q950K, Q959K, Q966K.
Identifiers: ClinVar variation 1931038 (VCV001931038.5), dbSNP rs551282342, ClinGen allele CA4892890.